The following is an entry in ClinVar:

ClinVar aggregate classification (germline): Likely pathogenic (1 of 4 stars; one submission).

Conditions:
PLA2G6-associated neurodegeneration (PLAN). Also called: phospholipase A2-associated neurodegeneration. Identifiers: Orphanet 329303, MedGen CN204472, MONDO:0017998.

Submission:

Victorian Clinical Genetics Services, Murdoch Childrens Research Institute
Classification: Likely pathogenic for PLA2G6-associated neurodegeneration. Last evaluated: 2025-02-25. Review status: criteria provided, single submitter. Criteria: ACMG Guidelines, 2015. Collection method: clinical testing. Allele origin: germline. Affected: yes.
Comment: This variant is classified as Likely pathogenic. Evidence in support of pathogenic classification: Non-canonical splice site variant without proven consequence on splicing (no functional evidence available); Variant is absent from gnomAD (v2, v3 and v4); Another splice variant comparable to the one identified in this case has limited previous evidence for pathogenicity. c.1591+5G>C has been classified as likely pathogenic by a clinical laboratory in ClinVar; Abnormal splicing is predicted by in silico tool and affected nucleotide is highly conserved; Heterozygous variant detected in trans with a PATHOGENIC heterozygous variant (NM_003560.4(PLA2G6):c.2370_2371del; p.(Tyr790*)) in a recessive disease. Additional information: This variant is heterozygous; This gene is associated with autosomal recessive disease; This variant has no previous evidence of pathogenicity; No published segregation evidence has been identified for this variant; No published functional evidence has been identified for this variant; Loss of function is a known mechanism of disease in this gene and is associated with PLA2G6-associated neurodegeneration (MONDO:0017998); Variants in this gene are known to have variable expressivity. Intrafamilial variability has been reported (PMID: 34622992).

Literature cited by the submitters: PubMed 34622992.

NM_003560.4(PLA2G6):c.1591+5G>A

Gene: PLA2G6 (phospholipase A2 group VI; minus strand). Cytogenetic location: 22q13.1.
Variant type: single nucleotide variant.
Coding change: c.1591+5G>A on transcript NM_003560.4 (MANE Select); 5 bases into the intron after coding-DNA position 1591, G replaced by A.
Molecular consequence: intron variant.
Genome position (GRCh38, 1-based): chr22:38,123,090, C>T on the plus strand (G>A on the coding strand, the complement: PLA2G6 is on the minus strand). VCF-style: chr22-38123090-C-T. GRCh37 (hg19) VCF-style: chr22-38519097-C-T.
Other names: c.913+5G>A (NM_001349868.2); c.1429+5G>A (NM_001349866.2, NM_001199562.3, NM_001349865.2 and 1 more transcripts); c.895+5G>A (NM_001349869.2); c.1057+5G>A (NM_001349867.2); c.1591+5G>A (NM_001349864.2).
Identifiers: ClinVar variation 4531848 (VCV004531848.1).